The following is an entry in ClinVar:

NM_001323289.2(CDKL5):c.556G>A (p.Ala186Thr)

Gene: CDKL5 (cyclin dependent kinase like 5; plus strand). Cytogenetic location: Xp22.13.
Variant type: single nucleotide variant.
Coding change: c.556G>A on transcript NM_001323289.2 (MANE Select); coding-DNA position 556, G replaced by A.
Protein change: p.Ala186Thr; replaces alanine 186 with threonine.
Molecular consequence: missense variant.
Genome position (GRCh38, 1-based): chrX:18,587,955, G>A. VCF-style: chrX-18587955-G-A. GRCh37 (hg19) VCF-style: chrX-18606075-G-A.
Other names: c.556G>A, p.Ala186Thr (NM_001037343.2, NM_003159.3); short protein forms A186T.
Identifiers: ClinVar variation 1305362 (VCV001305362.6), dbSNP rs765304446, ClinGen allele CA10360289.

ClinVar aggregate classification (germline): Uncertain significance. Review status: criteria provided, multiple submitters, no conflicts (2 of 4 stars). 2 submissions from 2 submitters: Uncertain significance (2). Last evaluated 2023-10-23.

Conditions:
Angelman syndrome-like. Identifiers: MedGen CN128785.
Developmental and epileptic encephalopathy, 2 (DEE2). Also called: INFANTILE SPASM SYNDROME, X-LINKED 2; CDKL5 deficiency disorder. Identifiers: Orphanet 1934, Orphanet 3451, Orphanet 505652, MedGen C4750718, MONDO:0010396, OMIM 300672.

Allele frequency attached by ClinVar (database versions not stated): ExAC 0.00001; gnomAD exomes 0.00001.
gnomAD v4.1: 4 of 1,206,526 alleles (0.00033%); highest among the groups gnomAD compares: Non-Finnish European, 0.00045%; no homozygotes.

Submissions (2):

Labcorp Genetics (formerly Invitae), Labcorp
Classification: Uncertain significance for Developmental and epileptic encephalopathy, 2; Angelman syndrome-like. Last evaluated: 2023-10-23. Review status: criteria provided, single submitter. Criteria: Invitae Variant Classification Sherloc (09022015). Collection method: clinical testing. Allele origin: germline.
Comment: This sequence change replaces alanine, which is neutral and non-polar, with threonine, which is neutral and polar, at codon 186 of the CDKL5 protein (p.Ala186Thr). The frequency data for this variant in the population databases is considered unreliable, as metrics indicate poor data quality at this position in the gnomAD database. This variant has not been reported in the literature in individuals affected with CDKL5-related conditions. ClinVar contains an entry for this variant (Variation ID: 1305362). An algorithm developed to predict the effect of missense changes on protein structure and function (PolyPhen-2) suggests that this variant is likely to be disruptive. In summary, the available evidence is currently insufficient to determine the role of this variant in disease. Therefore, it has been classified as a Variant of Uncertain Significance.

GeneDx
Classification: Uncertain significance. Last evaluated: 2019-05-06. Review status: criteria provided, single submitter. Criteria: GeneDx Variant Classification Process June 2021. Collection method: clinical testing. Allele origin: germline. Affected: yes.
Comment: In silico analysis, which includes protein predictors and evolutionary conservation, supports that this variant does not alter protein structure/function; Has not been previously published as pathogenic or benign to our knowledge